The following is an entry in ClinVar:

NM_000540.3(RYR1):c.14645C>T (p.Thr4882Met)

Gene: RYR1 (ryanodine receptor 1; plus strand). Cytogenetic location: 19q13.2.
Variant type: single nucleotide variant.
Coding change: c.14645C>T on transcript NM_000540.3 (MANE Select); coding-DNA position 14645, C replaced by T.
Protein change: p.Thr4882Met; replaces threonine 4882 with methionine.
Molecular consequence: missense variant.
Genome position (GRCh38, 1-based): chr19:38,580,503, C>T. VCF-style: chr19-38580503-C-T. GRCh37 (hg19) VCF-style: chr19-39071143-C-T.
Other names: c.14630C>T, p.Thr4877Met (NM_001042723.2); short protein forms T4882M, T4877M.
Identifiers: ClinVar variation 133083 (VCV000133083.23), dbSNP rs193922884, ClinGen allele CA024204.
Genomic context (GRCh38, chr19:38,580,503, plus strand): 5'-AGTTCTACAACAAGAGCGAGGATGAGGATGAACCTGACATGAAGTGTGATGACATGATGA[C>T]GGTGAGCCCCTCCCCTAGCACTCTGGGACCCTTCCTTCTCGCATCTGTTGAAGGAGTTAA-3'
Protein context (NP_000531.2, residues 4872-4892): EPDMKCDDMM[Thr4882Met]CYLFHMYVGV

ClinVar aggregate classification (germline): Conflicting classifications of pathogenicity. Review status: criteria provided, conflicting classifications (1 of 4 stars). 9 submissions from 9 submitters: Pathogenic (4); Likely pathogenic (3); Uncertain significance (1). 1 of the submissions does not count toward it. Last evaluated 2026-01-20.

Conditions:
Autosomal semidominant RYR1-related disorders.
RYR1-related disorder. Also called: RYR1-related disorders; RYR1-related condition. Identifiers: MedGen CN239331.
Malignant hyperthermia, susceptibility to, 1 (MHS1). Also called: Anesthesia related hyperthermia; Malignant hyperpyrexia; Fulminating hyperpyrexia; Pharmacogenic myopathy; RYR1-Related Malignant Hyperthermia Susceptibility; Malignant hyperthermia suceptibility 1. Identifiers: Orphanet 423, MedGen C2930980, MONDO:0007783, OMIM 145600.
Central core myopathy (CMYO1A). Also called: CONGENITAL MYOPATHY 1A, AUTOSOMAL DOMINANT, WITH SUSCEPTIBILITY TO MALIGNANT HYPERTHERMIA; Central core disease; Myopathy, central fibrillar. Identifiers: Orphanet 597, MedGen C5830701, MONDO:0007294, OMIM 117000.

Allele frequency attached by ClinVar (database versions not stated): gnomAD 0.00001; gnomAD exomes 0.00002 and 0.00001; ExAC 0.00002; TOPMed below 0.00001.
gnomAD v4.1: 17 of 1,613,896 alleles (0.0011%); highest among the groups gnomAD compares: Admixed American, 0.0067%; no homozygotes.

Submissions (9):

GeneDx
Classification: Pathogenic. Last evaluated: 2026-01-20. Review status: criteria provided, single submitter. Criteria: GeneDx Variant Classification Process June 2021. Collection method: clinical testing. Allele origin: germline. Affected: yes.
Comment: Not observed at significant frequency in large population cohorts (gnomAD); In silico analysis supports that this missense variant has a deleterious effect on protein structure/function; This variant is associated with the following publications: (PMID: 18312400, 26578207, 35428369, 35693006, 12565913, 27854218, 32236737, 37728764, 39020067, 41270518, 20681998, 33767344)

Variantyx, Inc.
Classification: Likely pathogenic for Autosomal semidominant RYR1-related disorders. Last evaluated: 2025-11-15. Review status: criteria provided, single submitter. Criteria: Variantyx Assertion Criteria 2022. Collection method: clinical testing. Allele origin: germline. Inheritance: Semidominant inheritance. Affected: no.
Comment: This is a nonsynonymous variant in the RYR1 gene (OMIM: 180901). Pathogenic variants in this gene have been associated with autosomal semidominant RYR1-related disorders. This variant has been identified in the homozygous or compound heterozygous state in at least 7 individuals reported in the published literature (PMID: 35693006, 35428369, 32236737, 18312400, 26578207, 27854218). This variant lies within a known hotspot for pathogenic variants or a well-established critical functional domain of the RYR1 protein (PMID: 21118704) (PM1)\, and multiple computational algorithms predict a deleterious effect for this variant (REVEL score: 0.962) (PP3). This variant has a 0.0067% maximum allele frequency in non-founder control populations. Based on the current evidence, this variant is classified as likely pathogenic for autosomal recessive RYR1-related disorders.

Color Diagnostics, LLC DBA Color Health
Classification: Uncertain significance for Malignant hyperthermia, susceptibility to, 1. Last evaluated: 2025-09-12. Review status: criteria provided, single submitter. Criteria: ACMG Guidelines, 2015. Collection method: clinical testing. Allele origin: germline.
Comment: This missense variant replaces threonine with methionine at codon 4882 in the C-terminal region of RYR1 (a.a. 4,631-4,991), which is considered to be a hotspot for pathogenic variants that contribute to malignant hyperthermia susceptibility. Computational prediction suggests that this variant may have deleterious impact on protein structure and function. To our knowledge, functional studies have not been reported for this variant. This variant has been identified in 6/251406 chromosomes in the general population by the Genome Aggregation Database (gnomAD). This variant has not been reported in individuals affected with autosomal dominant malignant hyperthermia in the literature, although it is associated with other phenotype(s) (ClinVar Variation ID: 133083). Due to insufficient evidence, this variant is classified as a Variant of Uncertain Significance for autosomal dominant malignant hyperthermia.

Blueprint Genetics
Classification: Pathogenic for RYR1-related disorders. Last evaluated: 2024-08-30. Review status: criteria provided, single submitter. Criteria: ACMG Guidelines, 2015. Collection method: clinical testing. Allele origin: germline. Affected: yes. Observed: 5 variant alleles.

Labcorp Genetics (formerly Invitae), Labcorp
Classification: Pathogenic for RYR1-related disorder. Last evaluated: 2023-08-07. Review status: criteria provided, single submitter. Criteria: Invitae Variant Classification Sherloc (09022015). Collection method: clinical testing. Allele origin: germline.
Comment: This sequence change replaces threonine, which is neutral and polar, with methionine, which is neutral and non-polar, at codon 4882 of the RYR1 protein (p.Thr4882Met). This variant is present in population databases (rs193922884, gnomAD 0.01%). For these reasons, this variant has been classified as Pathogenic. An algorithm developed to predict the effect of missense changes on protein structure and function (PolyPhen-2) suggests that this variant is likely to be disruptive. ClinVar contains an entry for this variant (Variation ID: 133083). This missense change has been observed in individual(s) with neuromuscular diseases and/or childhood onset myopathy (PMID: 18312400, 26578207, 27854218). In at least one individual the data is consistent with being in trans (on the opposite chromosome) from a pathogenic variant. It has also been observed to segregate with disease in related individuals.

MGZ Medical Genetics Center
Classification: Likely pathogenic for Central core myopathy. Last evaluated: 2022-04-25. Review status: criteria provided, single submitter. Criteria: ACMG Guidelines, 2015. Collection method: clinical testing. Allele origin: germline. Affected: yes. Observed: 1 variant allele.
Comment: ACMG criteria applied: PM1, PM3, PS4_SUP, PM2_SUP, PP1, PP3

Revvity Omics, Revvity
Classification: Pathogenic. Last evaluated: 2019-11-23. Review status: criteria provided, single submitter. Criteria: ACMG Guidelines, 2015. Collection method: clinical testing. Allele origin: germline.

PreventionGenetics, part of Exact Sciences
Classification: Likely pathogenic. Last evaluated: 2019-03-06. Review status: criteria provided, single submitter. Criteria: ACMG Guidelines, 2015. Collection method: clinical testing. Allele origin: germline.

RYR1 database
No classification provided. Review status: no classification provided. Collection method: not provided. Allele origin: unknown. Not counted in ClinVar's aggregate classification.

Literature cited by the submitters: PubMed 35693006 (cited by Variantyx, Inc.); PubMed 35428369 (cited by Variantyx, Inc.); PubMed 32236737 (cited by Variantyx, Inc.); PubMed 18312400 (cited by Variantyx, Inc. and Labcorp Genetics (formerly Invitae), Labcorp); PubMed 26578207 (cited by Variantyx, Inc. and Labcorp Genetics (formerly Invitae), Labcorp); PubMed 27854218 (cited by Variantyx, Inc. and Labcorp Genetics (formerly Invitae), Labcorp); PubMed 21118704 (cited by Variantyx, Inc.).